The following is an entry in ClinVar:

NM_001288705.3(CSF1R):c.2150G>A (p.Ser717Asn)

Gene: CSF1R (colony stimulating factor 1 receptor; minus strand). Cytogenetic location: 5q32.
Variant type: single nucleotide variant.
Coding change: c.2150G>A on transcript NM_001288705.3 (MANE Select); coding-DNA position 2150, G replaced by A.
Protein change: p.Ser717Asn; replaces serine 717 with asparagine.
Molecular consequence: missense variant. On other transcripts: non-coding transcript variant (2).
Genome position (GRCh38, 1-based): chr5:150,057,575, C>T on the plus strand (G>A on the coding strand, the complement: CSF1R is on the minus strand). VCF-style: chr5-150057575-C-T. GRCh37 (hg19) VCF-style: chr5-149437138-C-T.
Other names: c.2150G>A, p.Ser717Asn (NM_001349736.2, NM_001375320.1, NM_005211.4); c.1706G>A, p.Ser569Asn (NM_001375321.1); short protein forms S717N, S569N.
Identifiers: ClinVar variation 3635547 (VCV003635547.2).

ClinVar aggregate classification (germline): Uncertain significance (1 of 4 stars; one submission).

Submission:

Labcorp Genetics (formerly Invitae), Labcorp
Classification: Uncertain significance. Last evaluated: 2024-11-07. Review status: criteria provided, single submitter. Criteria: Invitae Variant Classification Sherloc (09022015). Collection method: clinical testing. Allele origin: germline.
Comment: This sequence change replaces serine, which is neutral and polar, with asparagine, which is neutral and polar, at codon 717 of the CSF1R protein (p.Ser717Asn). This variant is not present in population databases (gnomAD no frequency). This variant has not been reported in the literature in individuals affected with CSF1R-related conditions. Invitae Evidence Modeling of protein sequence and biophysical properties (such as structural, functional, and spatial information, amino acid conservation, physicochemical variation, residue mobility, and thermodynamic stability) indicates that this missense variant is not expected to disrupt CSF1R protein function with a negative predictive value of 95%. In summary, the available evidence is currently insufficient to determine the role of this variant in disease. Therefore, it has been classified as a Variant of Uncertain Significance.